The following is an entry in ClinVar:

NM_017654.4(SAMD9):c.3934G>A (p.Glu1312Lys)

Gene: SAMD9 (sterile alpha motif domain containing 9; minus strand). Cytogenetic location: 7q21.2.
Variant type: single nucleotide variant.
Coding change: c.3934G>A on transcript NM_017654.4 (MANE Select); coding-DNA position 3934, G replaced by A.
Protein change: p.Glu1312Lys; replaces glutamic acid 1312 with lysine.
Molecular consequence: missense variant.
Genome position (GRCh38, 1-based): chr7:93,102,164, C>T on the plus strand (G>A on the coding strand, the complement: SAMD9 is on the minus strand). VCF-style: chr7-93102164-C-T. GRCh37 (hg19) VCF-style: chr7-92731477-C-T.
Other names: c.3934G>A, p.Glu1312Lys (NM_001193307.2); short protein forms E1312K.
Identifiers: ClinVar variation 2663720 (VCV002663720.2), dbSNP rs1374287516, ClinGen allele CA368181689.

ClinVar aggregate classification (germline): Uncertain significance. Review status: criteria provided, multiple submitters, no conflicts (2 of 4 stars). 2 submissions from 2 submitters: Uncertain significance (2). Last evaluated 2025-06-28.

Conditions:
Inborn genetic diseases. Identifiers: MedGen C0950123, MeSH D030342.

Allele frequency attached by ClinVar (database versions not stated): TOPMed below 0.00001; gnomAD 0.00001.
gnomAD v4.1: 1 of 1,613,376 alleles (0.000062%); highest among the groups gnomAD compares: African/African-American, 0.0013%; no homozygotes.

Submissions (2):

Ambry Genetics
Classification: Uncertain significance for Inborn genetic diseases. Last evaluated: 2025-06-28. Review status: criteria provided, single submitter. Criteria: Ambry Variant Classification Scheme 2023. Collection method: clinical testing. Allele origin: germline.
Comment: The p.E1312K variant (also known as c.3934G>A), located in coding exon 1 of the SAMD9 gene, results from a G to A substitution at nucleotide position 3934. The glutamic acid at codon 1312 is replaced by lysine, an amino acid with similar properties. This amino acid position is conserved. In addition, this alteration is predicted to be tolerated by in silico analysis. Based on the available evidence, the clinical significance of this variant remains unclear.

GeneDx
Classification: Uncertain significance. Last evaluated: 2023-05-01. Review status: criteria provided, single submitter. Criteria: GeneDx Variant Classification Process June 2021. Collection method: clinical testing. Allele origin: germline. Affected: yes.
Comment: Not observed at significant frequency in large population cohorts (gnomAD); In silico analysis supports that this missense variant does not alter protein structure/function; Has not been previously published as pathogenic or benign to our knowledge